The following is an entry in ClinVar:

NM_032447.5(FBN3):c.5519C>T (p.Ala1840Val)

Gene: FBN3 (fibrillin 3; minus strand). Cytogenetic location: 19p13.2.
Variant type: single nucleotide variant.
Coding change: c.5519C>T on transcript NM_032447.5 (MANE Select); coding-DNA position 5519, C replaced by T.
Protein change: p.Ala1840Val; replaces alanine 1840 with valine.
Molecular consequence: missense variant.
Genome position (GRCh38, 1-based): chr19:8,096,464, G>A on the plus strand (C>T on the coding strand, the complement: FBN3 is on the minus strand). VCF-style: chr19-8096464-G-A. GRCh37 (hg19) VCF-style: chr19-8161348-G-A.
Other names: c.5519C>T, p.Ala1840Val (NM_001321431.2); c.5519C>T (NM_001321431.1); short protein forms A1840V.
Identifiers: ClinVar variation 2043840 (VCV002043840.5), dbSNP rs143613313, ClinGen allele CA9151643.

ClinVar aggregate classification (germline): Uncertain significance. Review status: criteria provided, single submitter (1 of 4 stars). 2 submissions from 2 submitters: Uncertain significance (1). 1 of the submissions does not count toward it. Last evaluated 2024-12-02.

Conditions:
FBN3-related disorder. Also called: FBN3-related condition.

Allele frequency attached by ClinVar (database versions not stated): ExAC 0.00023; ESP Exome Variant Server 0.00046; gnomAD 0.00052; TOPMed 0.00073; 1000 Genomes Project 0.00120; 1000 Genomes Project 30x 0.00141.
gnomAD v4.1: 292 of 1,613,962 alleles (0.018%); highest among the groups gnomAD compares: African/African-American, 0.12%; no homozygotes.

Submissions (2):

Labcorp Genetics (formerly Invitae), Labcorp
Classification: Uncertain significance. Last evaluated: 2024-12-02. Review status: criteria provided, single submitter. Criteria: Invitae Variant Classification Sherloc (09022015). Collection method: clinical testing. Allele origin: germline.
Comment: This sequence change replaces alanine, which is neutral and non-polar, with valine, which is neutral and non-polar, at codon 1840 of the FBN3 protein (p.Ala1840Val). This variant is present in population databases (rs143613313, gnomAD 0.1%), and has an allele count higher than expected for a pathogenic variant. This variant has not been reported in the literature in individuals affected with FBN3-related conditions. ClinVar contains an entry for this variant (Variation ID: 2043840). Invitae Evidence Modeling of protein sequence and biophysical properties (such as structural, functional, and spatial information, amino acid conservation, physicochemical variation, residue mobility, and thermodynamic stability) indicates that this missense variant is not expected to disrupt FBN3 protein function with a negative predictive value of 80%. In summary, the available evidence is currently insufficient to determine the role of this variant in disease. Therefore, it has been classified as a Variant of Uncertain Significance.

PreventionGenetics, part of Exact Sciences
Classification: Likely benign for FBN3-related condition. Last evaluated: 2023-05-17. Review status: no assertion criteria provided. Collection method: clinical testing. Allele origin: germline. Not counted in ClinVar's aggregate classification.
Comment: This variant is classified as likely benign based on ACMG/AMP sequence variant interpretation guidelines (Richards et al. 2015 PMID: 25741868, with internal and published modifications).